The following is an entry in ClinVar:

NM_000191.3(HMGCL):c.545del (p.Pro182fs)

Gene: HMGCL (3-hydroxy-3-methylglutaryl-CoA lyase; minus strand). Cytogenetic location: 1p36.11.
Variant type: Deletion.
Coding change: c.545del on transcript NM_000191.3 (MANE Select); coding-DNA position 545, one base deleted (C; older notation c.545delC).
Protein change: p.Pro182fs; shifts the reading frame from proline 182.
Molecular consequence: frameshift variant. On other transcripts: intron variant (1).
Genome position (GRCh38, 1-based): chr1:23,810,752, G deleted on the plus strand (C on the coding strand, the reverse complement: HMGCL is on the minus strand); the first of 4 consecutive G bases (chr1:23,810,752-23,810,755); deleting any one gives the same sequence. VCF-style (leftmost placement, unchanged base first): chr1-23810751-TG-T. GRCh37 (hg19) VCF-style: chr1-24137241-TG-T.
Other names: c.349-2429del (NM_001166059.2); short protein forms P182fs.
Identifiers: ClinVar variation 1369836 (VCV001369836.6), dbSNP rs2148420687, ClinGen allele CA2573132191.

ClinVar aggregate classification (germline): Pathogenic (1 of 4 stars; one submission).

Conditions:
Deficiency of hydroxymethylglutaryl-CoA lyase (HMGCLD). Also called: Defect in leucine metabolism; 3-hydroxy-3-methylglutaric aciduria; HMGCL DEFICIENCY; HYDROXYMETHYLGLUTARIC ACIDURIA; HMG-CoA LYASE DEFICIENCY. Identifiers: Orphanet 20, MedGen C1533587, MONDO:0009520, OMIM 246450.

Submission:

Labcorp Genetics (formerly Invitae), Labcorp
Classification: Pathogenic for Deficiency of hydroxymethylglutaryl-CoA lyase. Last evaluated: 2021-12-02. Review status: criteria provided, single submitter. Criteria: Invitae Variant Classification Sherloc (09022015). Collection method: clinical testing. Allele origin: germline.
Comment: For these reasons, this variant has been classified as Pathogenic. This variant is not present in population databases (gnomAD no frequency). This sequence change creates a premature translational stop signal (p.Pro182Glnfs*4) in the HMGCL gene. It is expected to result in an absent or disrupted protein product. Loss-of-function variants in HMGCL are known to be pathogenic (PMID: 9817922, 17692550, 23465862). This variant has not been reported in the literature in individuals affected with HMGCL-related conditions.

Literature cited by the submitters: PubMed 9817922; PubMed 17692550; PubMed 23465862.